The following is an entry in ClinVar:

ClinVar aggregate classification (germline): Pathogenic (1 of 4 stars; one submission).

Submission:

Labcorp Genetics (formerly Invitae), Labcorp
Classification: Pathogenic. Last evaluated: 2024-10-08. Review status: criteria provided, single submitter. Criteria: Invitae Variant Classification Sherloc (09022015). Collection method: clinical testing. Allele origin: germline.
Comment: This sequence change creates a premature translational stop signal (p.Lys4676Argfs*35) in the PCLO gene. It is expected to result in an absent or disrupted protein product. Loss-of-function variants in PCLO are known to be pathogenic (PMID: 25832664, 30287594). This variant is not present in population databases (gnomAD no frequency). This variant has not been reported in the literature in individuals affected with PCLO-related conditions. For these reasons, this variant has been classified as Pathogenic.

Literature cited by the submitters: PubMed 25832664; PubMed 30287594.

NM_033026.6(PCLO):c.14027del (p.Lys4676fs)

Gene: PCLO (piccolo presynaptic cytomatrix protein; minus strand). Cytogenetic location: 7q21.11.
Variant type: Deletion.
Coding change: c.14027del on transcript NM_033026.6 (MANE Select); coding-DNA position 14027, one base deleted (A; older notation c.14027delA).
Protein change: p.Lys4676fs; shifts the reading frame from lysine 4676.
Molecular consequence: frameshift variant.
Genome position (GRCh38, 1-based): chr7:82,845,290, T deleted on the plus strand (A on the coding strand, the reverse complement: PCLO is on the minus strand); the first of 5 consecutive T bases (chr7:82,845,290-82,845,294); deleting any one gives the same sequence. VCF-style (leftmost placement, unchanged base first): chr7-82845289-CT-C. GRCh37 (hg19) VCF-style: chr7-82474605-CT-C.
Other names: c.14027del, p.Lys4676fs (NM_014510.3); short protein forms K4676fs.
Identifiers: ClinVar variation 2812349 (VCV002812349.3), dbSNP rs2535325754, ClinGen allele CA2739266507.